The following is an entry in ClinVar:

ClinVar aggregate classification (germline): Uncertain significance. Review status: criteria provided, multiple submitters, no conflicts (2 of 4 stars). 2 submissions from 2 submitters: Uncertain significance (2). Last evaluated 2025-04-01.

Conditions:
Inborn genetic diseases. Identifiers: MedGen C0950123, MeSH D030342.

Allele frequency attached by ClinVar (database versions not stated): TOPMed below 0.00001.
gnomAD v4.1: 3 of 1,613,900 alleles (0.00019%); highest among the groups gnomAD compares: Admixed American, 0.005%; no homozygotes.

Submissions (2):

Ambry Genetics
Classification: Uncertain significance for Inborn genetic diseases. Last evaluated: 2025-04-01. Review status: criteria provided, single submitter. Criteria: Ambry Variant Classification Scheme 2023. Collection method: clinical testing. Allele origin: germline.

Labcorp Genetics (formerly Invitae), Labcorp
Classification: Uncertain significance. Last evaluated: 2021-08-28. Review status: criteria provided, single submitter. Criteria: Invitae Variant Classification Sherloc (09022015). Collection method: clinical testing. Allele origin: germline.
Comment: This variant is not present in population databases (ExAC no frequency). This sequence change replaces threonine with serine at codon 537 of the IMPG2 protein (p.Thr537Ser). The threonine residue is moderately conserved and there is a small physicochemical difference between threonine and serine. In summary, the available evidence is currently insufficient to determine the role of this variant in disease. Therefore, it has been classified as a Variant of Uncertain Significance. Algorithms developed to predict the effect of missense changes on protein structure and function output the following: SIFT: "Tolerated"; PolyPhen-2: "Benign"; Align-GVGD: "Class C0". The serine amino acid residue is found in multiple mammalian species, which suggests that this missense change does not adversely affect protein function. This variant has not been reported in the literature in individuals affected with IMPG2-related conditions.

NM_016247.4(IMPG2):c.1609A>T (p.Thr537Ser)

Gene: IMPG2 (interphotoreceptor matrix proteoglycan 2; minus strand). Cytogenetic location: 3q12.3.
Variant type: single nucleotide variant.
Coding change: c.1609A>T on transcript NM_016247.4 (MANE Select); coding-DNA position 1609, A replaced by T.
Protein change: p.Thr537Ser; replaces threonine 537 with serine.
Molecular consequence: missense variant.
Genome position (GRCh38, 1-based): chr3:101,244,722, T>A on the plus strand (A>T on the coding strand, the complement: IMPG2 is on the minus strand). VCF-style: chr3-101244722-T-A. GRCh37 (hg19) VCF-style: chr3-100963566-T-A.
Other names: c.1609A>T (NM_016247.3); short protein forms T537S.
Identifiers: ClinVar variation 1461625 (VCV001461625.7), dbSNP rs148472093, ClinGen allele CA353860498.
Genomic context (GRCh38, chr3:101,244,722, plus strand): 5'-ATGTTAAGGACACATCAGAGTCTTCCATGGATGGTATTGTTTCTTTTGGCACAGGTTGAG[T>A]GAATGAACTTGAAGGCAATGAATCAATAGAAAGAAAATCTTCTGACTCTTCAACATTGGC-3'
Protein context (NP_057331.2, residues 527-547): SIDSLPSSSF[Thr537Ser]QPVPKETIPS